The following is an entry in ClinVar:

ClinVar aggregate classification (germline): Likely benign. Review status: criteria provided, multiple submitters, no conflicts (2 of 4 stars). 3 submissions from 3 submitters: Likely benign (3). Last evaluated 2020-11-30.

Conditions:
Cardiovascular phenotype. Identifiers: MedGen CN230736.
Dilated cardiomyopathy 1KK (CMD1KK). Identifiers: Orphanet 154, Orphanet 75249, MedGen C3714995, MONDO:0014100, OMIM 615248.

gnomAD v4.1: 5 of 1,614,114 alleles (0.00031%); highest among the groups gnomAD compares: South Asian, 0.0022%; no homozygotes.

Submissions (3):

Ambry Genetics
Classification: Likely benign for Cardiovascular phenotype. Last evaluated: 2020-11-30. Review status: criteria provided, single submitter. Criteria: Ambry Variant Classification Scheme 2023. Collection method: clinical testing. Allele origin: germline.

Labcorp Genetics (formerly Invitae), Labcorp
Classification: Likely benign for Dilated cardiomyopathy 1KK. Last evaluated: 2018-12-25. Review status: criteria provided, single submitter. Criteria: Invitae Variant Classification Sherloc (09022015). Collection method: clinical testing. Allele origin: germline.

GeneDx
Classification: Likely benign. Last evaluated: 2018-01-15. Review status: criteria provided, single submitter. Criteria: GeneDx Variant Classification (06012015). Collection method: clinical testing. Allele origin: germline. Affected: yes.
Comment: This variant is considered likely benign or benign based on one or more of the following criteria: it is a conservative change, it occurs at a poorly conserved position in the protein, it is predicted to be benign by multiple in silico algorithms, and/or has population frequency not consistent with disease.

NM_032578.4(MYPN):c.951C>T (p.Ile317=)

Gene: MYPN (myopalladin; plus strand). Cytogenetic location: 10q21.3.
Variant type: single nucleotide variant.
Coding change: c.951C>T on transcript NM_032578.4 (MANE Select); coding-DNA position 951, C replaced by T.
Protein change: p.Ile317=; no amino-acid change (isoleucine 317 retained).
Molecular consequence: synonymous variant. On other transcripts: non-coding transcript variant (2).
Genome position (GRCh38, 1-based): chr10:68,142,988, C>T. VCF-style: chr10-68142988-C-T. GRCh37 (hg19) VCF-style: chr10-69902745-C-T.
Other names: c.951C>T, p.Ile317= (NM_001256267.2); c.69C>T, p.Ile23= (NM_001256268.2).
Identifiers: ClinVar variation 514525 (VCV000514525.9), dbSNP rs759998419, ClinGen allele CA208179974.